The following is an entry in ClinVar:

ClinVar aggregate classification (germline): Uncertain significance (1 of 4 stars; one submission).

Allele frequency attached by ClinVar (database versions not stated): TOPMed below 0.00001; ExAC 0.00001; gnomAD 0.00001; gnomAD exomes 0.00001.
gnomAD v4.1: 15 of 1,613,608 alleles (0.00093%); highest among the groups gnomAD compares: South Asian, 0.0055%; no homozygotes.

Submission:

Labcorp Genetics (formerly Invitae), Labcorp
Classification: Uncertain significance. Last evaluated: 2023-06-04. Review status: criteria provided, single submitter. Criteria: Invitae Variant Classification Sherloc (09022015). Collection method: clinical testing. Allele origin: germline.
Comment: In summary, the available evidence is currently insufficient to determine the role of this variant in disease. Therefore, it has been classified as a Variant of Uncertain Significance. Advanced modeling of protein sequence and biophysical properties (such as structural, functional, and spatial information, amino acid conservation, physicochemical variation, residue mobility, and thermodynamic stability) performed at Invitae indicates that this missense variant is not expected to disrupt POLR1A protein function. This variant has not been reported in the literature in individuals affected with POLR1A-related conditions. The frequency data for this variant in the population databases is considered unreliable, as metrics indicate poor data quality at this position in the gnomAD database. This sequence change replaces arginine, which is basic and polar, with histidine, which is basic and polar, at codon 1598 of the POLR1A protein (p.Arg1598His).

NM_015425.6(POLR1A):c.4793G>A (p.Arg1598His)

Gene: POLR1A (RNA polymerase I subunit A; minus strand). Cytogenetic location: 2p11.2.
Variant type: single nucleotide variant.
Coding change: c.4793G>A on transcript NM_015425.6 (MANE Select); coding-DNA position 4793, G replaced by A.
Protein change: p.Arg1598His; replaces arginine 1598 with histidine.
Molecular consequence: missense variant.
Genome position (GRCh38, 1-based): chr2:86,028,698, C>T on the plus strand (G>A on the coding strand, the complement: POLR1A is on the minus strand). VCF-style: chr2-86028698-C-T. GRCh37 (hg19) VCF-style: chr2-86255821-C-T.
Other names: short protein forms R1598H.
Identifiers: ClinVar variation 2981155 (VCV002981155.3), dbSNP rs776817775, ClinGen allele CA1745382.
Genomic context (GRCh38, chr2:86,028,698, plus strand): 5'-AGCGCGGCCTCAATGCCATACGTGTTGGCTATGGCGTGGATGTCGTTGGAGTAGAGGCGG[C>T]GCAGATCCAGGACCTGGAGAGAGGAAGGAAGGGATTTATTTAGAGGGCCTGGCCTTCTGC-3'
Protein context (NP_056240.2, residues 1588-1608): LFKYAEVLDL[Arg1598His]RLYSNDIHAI